The following is an entry in ClinVar:

NM_002661.5(PLCG2):c.2515-92A>C

Gene: PLCG2 (phospholipase C gamma 2; plus strand). Cytogenetic location: 16q23.3.
Variant type: single nucleotide variant.
Coding change: c.2515-92A>C on transcript NM_002661.5 (MANE Select); 92 bases into the intron before coding-DNA position 2515, A replaced by C.
Molecular consequence: intron variant.
Genome position (GRCh38, 1-based): chr16:81,928,466, A>C. VCF-style: chr16-81928466-A-C. GRCh37 (hg19) VCF-style: chr16-81962071-A-C.
Identifiers: ClinVar variation 1294911 (VCV001294911.5), dbSNP rs4366702, ClinGen allele CA14288105.
Genomic context (GRCh38, chr16:81,928,466, plus strand): 5'-TAGCTCTCTCCCCATGGACGTATCTGGTAATGAAAATGCATTTTAAACAGTTCCACAGGC[A>C]GTATCTCTGCTAAACGGTGTGCTTTGGAAACGGGTTTTCTTTTTATTATTCCCGTTACAA-3'

ClinVar aggregate classification (germline): Benign. Review status: criteria provided, multiple submitters, no conflicts (2 of 4 stars). 3 submissions from 3 submitters: Benign (3). Last evaluated 2023-11-12.

Allele frequency attached by ClinVar (database versions not stated): 1000 Genomes Project 30x 0.68598; 1000 Genomes Project 0.68890; TOPMed 0.68307.
gnomAD v4.1: 580,486 of 801,296 alleles (72%); highest among the groups gnomAD compares: Admixed American, 81%; 212,470 homozygotes.

Submissions (3):

Unidad de Genómica Garrahan, Hospital de Pediatría Garrahan
Classification: Benign. Last evaluated: 2023-11-12. Review status: criteria provided, single submitter. Criteria: ACMG Guidelines, 2015. Collection method: clinical testing. Allele origin: germline. Affected: no. Observed: 74 variant alleles.
Comment: This variant is classified as Benign based on local population frequency. This variant was detected in 77% of patients studied by a panel of primary immunodeficiencies. Number of patients: 74. Only high quality variants are reported.

GeneDx
Classification: Benign. Last evaluated: 2021-05-14. Review status: criteria provided, single submitter. Criteria: GeneDx Variant Classification Process June 2021. Collection method: clinical testing. Allele origin: germline. Affected: yes.

Breakthrough Genomics
Classification: Benign. Review status: criteria provided, single submitter. Criteria: ACMG Guidelines, 2015. Collection method: not provided. Allele origin: germline. Inheritance: Autosomal dominant inheritance. Affected: yes.